The following is an entry in ClinVar:

ClinVar aggregate classification (germline): Uncertain significance (1 of 4 stars; one submission).

gnomAD v4.1: 5 of 1,614,002 alleles (0.00031%); highest among the groups gnomAD compares: Non-Finnish European, 0.00042%; no homozygotes.

Submission:

Athena Diagnostics
Classification: Uncertain significance. Last evaluated: 2024-05-17. Review status: criteria provided, single submitter. Criteria: Athena Diagnostics Criteria. Collection method: clinical testing. Allele origin: unknown.
Comment: Available data are insufficient to determine the clinical significance of the variant at this time. This variant has not been reported in large, multi-ethnic general populations. Computational tools yielded predictions that this variant may interfere with normal RNA splicing.

NM_020919.4(ALS2):c.4280+5G>C

Gene: ALS2 (alsin Rho guanine nucleotide exchange factor ALS2; minus strand). Cytogenetic location: 2q33.1.
Variant type: single nucleotide variant.
Coding change: c.4280+5G>C on transcript NM_020919.4 (MANE Select); 5 bases into the intron after coding-DNA position 4280, G replaced by C.
Molecular consequence: intron variant.
Genome position (GRCh38, 1-based): chr2:201,709,876, C>G on the plus strand (G>C on the coding strand, the complement: ALS2 is on the minus strand). VCF-style: chr2-201709876-C-G. GRCh37 (hg19) VCF-style: chr2-202574599-C-G.
Other names: c.4277+5G>C (NM_001410975.1).
Identifiers: ClinVar variation 3571989 (VCV003571989.1).